The following is an entry in ClinVar:

ClinVar aggregate classification (germline): Uncertain significance (1 of 4 stars; one submission).

gnomAD v4.1: 3 of 1,613,866 alleles (0.00019%); highest among the groups gnomAD compares: African/African-American, 0.0013%; no homozygotes.

Submission:

Labcorp Genetics (formerly Invitae), Labcorp
Classification: Uncertain significance. Last evaluated: 2021-04-24. Review status: criteria provided, single submitter. Criteria: Invitae Variant Classification Sherloc (09022015). Collection method: clinical testing. Allele origin: germline.
Comment: In summary, the available evidence is currently insufficient to determine the role of this variant in disease. Therefore, it has been classified as a Variant of Uncertain Significance. Algorithms developed to predict the effect of missense changes on protein structure and function (SIFT, PolyPhen-2, Align-GVGD) all suggest that this variant is likely to be disruptive, but these predictions have not been confirmed by published functional studies and their clinical significance is uncertain. This variant has not been reported in the literature in individuals with CARD8-related conditions. This variant is not present in population databases (ExAC no frequency). This sequence change replaces histidine with tyrosine at codon 202 of the CARD8 protein (p.His202Tyr). The histidine residue is highly conserved and there is a moderate physicochemical difference between histidine and tyrosine.

NM_001184900.3(CARD8):c.754C>T (p.His252Tyr)

Gene: CARD8 (caspase recruitment domain family member 8; minus strand). Cytogenetic location: 19q13.33.
Variant type: single nucleotide variant.
Coding change: c.754C>T on transcript NM_001184900.3 (MANE Select); coding-DNA position 754, C replaced by T.
Protein change: p.His252Tyr; replaces histidine 252 with tyrosine.
Molecular consequence: missense variant. On other transcripts: non-coding transcript variant (4).
Genome position (GRCh38, 1-based): chr19:48,230,795, G>A on the plus strand (C>T on the coding strand, the complement: CARD8 is on the minus strand). VCF-style: chr19-48230795-G-A. GRCh37 (hg19) VCF-style: chr19-48734052-G-A.
Other names: c.604C>T, p.His202Tyr (NM_001184901.1, NM_001351783.2, NM_001351788.2 and 2 more transcripts); c.754C>T, p.His252Tyr (NM_001184902.2, NM_001184903.1, NM_001351782.2); c.439C>T, p.His147Tyr (NM_001351784.2, NM_001351787.2, NM_001351791.2 and 2 more transcripts); c.418C>T, p.His140Tyr (NM_001351786.2); c.511C>T, p.His171Tyr (NM_001351790.2); short protein forms H140Y, H147Y, H252Y, H171Y, H202Y.
Identifiers: ClinVar variation 1472019 (VCV001472019.8), dbSNP rs764067338, ClinGen allele CA406644208.